The following is an entry in ClinVar:

NM_032043.3(BRIP1):c.1788A>G (p.Pro596=)

Gene: BRIP1 (BRCA1 interacting DNA helicase 1; minus strand). Cytogenetic location: 17q23.2.
Variant type: single nucleotide variant.
Coding change: c.1788A>G on transcript NM_032043.3 (MANE Select); coding-DNA position 1788, A replaced by G.
Protein change: p.Pro596=; no amino-acid change (proline 596 retained).
Molecular consequence: synonymous variant.
Genome position (GRCh38, 1-based): chr17:61,780,846, T>C on the plus strand (A>G on the coding strand, the complement: BRIP1 is on the minus strand). VCF-style: chr17-61780846-T-C. GRCh37 (hg19) VCF-style: chr17-59858207-T-C.
Identifiers: ClinVar variation 479440 (VCV000479440.9), dbSNP rs1555602434, ClinGen allele CA501150447.
Genomic context (GRCh38, chr17:61,780,846, plus strand): 5'-AAAATGCTGGTACTGAGCAAGAAGACAAAATTTCCATTTACATGATGAGCTTACCACAGC[T>C]GGATTTAAGCACCAAAAGTTTAGCACATGAACTGCAGTTTTCTGTCGTGAACGTTTCTTA-3'
Protein context (NP_114432.2, residues 586-606): VHVLNFWCLN[Pro596=]AVAFSDINGK

ClinVar aggregate classification (germline): Benign/Likely benign. Review status: criteria provided, multiple submitters, no conflicts (2 of 4 stars). 3 submissions from 3 submitters: Benign (1); Likely benign (2). Last evaluated 2025-04-14.

Conditions:
Hereditary cancer-predisposing syndrome. Also called: Tumor predisposition; Neoplastic Syndromes, Hereditary; Hereditary Cancer Syndrome; Hereditary neoplastic syndrome. Identifiers: Orphanet 140162, MedGen C0027672, MeSH D009386, MONDO:0015356.
Fanconi anemia complementation group J. Also called: BRIP1-Related Fanconi Anemia. Identifiers: Orphanet 84, MedGen C1836860, MONDO:0012187, OMIM 609054.
Familial cancer of breast. Also called: BREAST CANCER, FAMILIAL; Hereditary breast cancer; hereditary breast carcinoma. Identifiers: Orphanet 227535, MedGen C0346153, MONDO:0016419, OMIM 114480. Disease mechanism: loss of function.

Submissions (3):

Labcorp Genetics (formerly Invitae), Labcorp
Classification: Likely benign for Familial cancer of breast; Fanconi anemia complementation group J. Last evaluated: 2025-04-14. Review status: criteria provided, single submitter. Criteria: Invitae Variant Classification Sherloc (09022015). Collection method: clinical testing. Allele origin: germline.

Myriad Genetics, Inc.
Classification: Benign for Familial cancer of breast. Last evaluated: 2024-08-29. Review status: criteria provided, single submitter. Criteria: Myriad Autosomal Dominant, Autosomal Recessive and X-Linked Classification Criteria (2023). Collection method: clinical testing. Allele origin: unknown.
Comment: This variant is considered benign. This variant is a silent/synonymous amino acid change and it is not expected to impact splicing.

Ambry Genetics
Classification: Likely benign for Hereditary cancer-predisposing syndrome. Last evaluated: 2016-07-20. Review status: criteria provided, single submitter. Criteria: Ambry Variant Classification Scheme 2023. Collection method: clinical testing. Allele origin: germline.